The following is an entry in ClinVar:

ClinVar aggregate classification (germline): Uncertain significance (1 of 4 stars; one submission).

Submission:

Labcorp Genetics (formerly Invitae), Labcorp
Classification: Uncertain significance. Last evaluated: 2020-11-10. Review status: criteria provided, single submitter. Criteria: Invitae Variant Classification Sherloc (09022015). Collection method: clinical testing. Allele origin: germline.
Comment: In summary, the available evidence is currently insufficient to determine the role of this variant in disease. Therefore, it has been classified as a Variant of Uncertain Significance. Algorithms developed to predict the effect of missense changes on protein structure and function (SIFT, PolyPhen-2, Align-GVGD) all suggest that this variant is likely to be disruptive, but these predictions have not been confirmed by published functional studies and their clinical significance is uncertain. This variant has not been reported in the literature in individuals with CRB2-related conditions. This variant is not present in population databases (ExAC no frequency). This sequence change replaces leucine with histidine at codon 497 of the CRB2 protein (p.Leu497His). The leucine residue is highly conserved and there is a moderate physicochemical difference between leucine and histidine.

NM_173689.7(CRB2):c.1490T>A (p.Leu497His)

Gene: CRB2 (crumbs cell polarity complex component 2; plus strand). Cytogenetic location: 9q33.3.
Variant type: single nucleotide variant.
Coding change: c.1490T>A on transcript NM_173689.7 (MANE Select); coding-DNA position 1490, T replaced by A.
Protein change: p.Leu497His; replaces leucine 497 with histidine.
Molecular consequence: missense variant. On other transcripts: non-coding transcript variant (1).
Genome position (GRCh38, 1-based): chr9:123,370,543, T>A. VCF-style: chr9-123370543-T-A. GRCh37 (hg19) VCF-style: chr9-126132822-T-A.
Other names: short protein forms L497H.
Identifiers: ClinVar variation 1345296 (VCV001345296.8), dbSNP rs2132774625, ClinGen allele CA374862810.